The following is an entry in ClinVar:

NM_006059.4(LAMC3):c.4130C>T (p.Thr1377Ile)

Gene: LAMC3 (laminin subunit gamma 3; plus strand). Cytogenetic location: 9q34.12.
Variant type: single nucleotide variant.
Coding change: c.4130C>T on transcript NM_006059.4 (MANE Select); coding-DNA position 4130, C replaced by T.
Protein change: p.Thr1377Ile; replaces threonine 1377 with isoleucine.
Molecular consequence: missense variant.
Genome position (GRCh38, 1-based): chr9:131,085,623, C>T. VCF-style: chr9-131085623-C-T. GRCh37 (hg19) VCF-style: chr9-133961010-C-T.
Other names: short protein forms T1377I.
Identifiers: ClinVar variation 211366 (VCV000211366.26), dbSNP rs144662546, ClinGen allele CA205587.
Genomic context (GRCh38, chr9:131,085,623, plus strand): 5'-CATTGCAGAGGAAGGCAGACTCCGTCAGTGACAGACTCCTTGCAGACACGAGAAAGAAGA[C>T]CAAGCAGGCGGAGAGGATGCTGGGAAACGCGGCCCCTCTTTCCTCCAGTGCCAAGAAGAA-3'
Protein context (NP_006050.3, residues 1367-1387): DRLLADTRKK[Thr1377Ile]KQAERMLGNA

ClinVar aggregate classification (germline): Conflicting classifications of pathogenicity. Review status: criteria provided, conflicting classifications (1 of 4 stars). 6 submissions from 6 submitters: Uncertain significance (2); Likely benign (3). 1 of the submissions does not count toward it. Last evaluated 2026-02-02.

Conditions:
LAMC3-related disorder. Also called: LAMC3-related condition.
Inborn genetic diseases. Identifiers: MedGen C0950123, MeSH D030342.

Allele frequency attached by ClinVar (database versions not stated): gnomAD exomes 0.00054; ExAC 0.00061; 1000 Genomes Project 30x 0.00172; gnomAD 0.00184 and 0.00189; TOPMed 0.00206; 1000 Genomes Project 0.00220; ESP Exome Variant Server 0.00246.
gnomAD v4.1: 558 of 1,614,110 alleles (0.035%); highest among the groups gnomAD compares: African/African-American, 0.67%; 3 homozygotes.

Submissions (6):

Labcorp Genetics (formerly Invitae), Labcorp
Classification: Likely benign. Last evaluated: 2026-02-02. Review status: criteria provided, single submitter. Criteria: Invitae Variant Classification Sherloc (09022015). Collection method: clinical testing. Allele origin: germline.

GeneDx
Classification: Uncertain significance. Last evaluated: 2025-12-03. Review status: criteria provided, single submitter. Criteria: GeneDx Variant Classification Process June 2021. Collection method: clinical testing. Allele origin: germline. Affected: yes.
Comment: In silico analysis supports that this missense variant has a deleterious effect on protein structure/function; Has not been previously published as pathogenic or benign to our knowledge

Ambry Genetics
Classification: Likely benign for Inborn genetic diseases. Last evaluated: 2022-05-11. Review status: criteria provided, single submitter. Criteria: Ambry Variant Classification Scheme 2023. Collection method: clinical testing. Allele origin: germline.

Laboratorio de Genetica e Diagnostico Molecular, Hospital Israelita Albert Einstein
Classification: Likely benign. Last evaluated: 2020-02-22. Review status: criteria provided, single submitter. Criteria: ACMG Guidelines, 2015. Collection method: clinical testing. Allele origin: germline. Affected: yes.
Comment: ACMG classification criteria: BP1, BP4

Genetic Services Laboratory, University of Chicago
Classification: Uncertain significance. Last evaluated: 2015-07-29. Review status: criteria provided, single submitter. Criteria: ACMG Guidelines, 2015. Collection method: clinical testing. Allele origin: germline.

PreventionGenetics, part of Exact Sciences
Classification: Likely benign for LAMC3-related condition. Last evaluated: 2019-11-11. Review status: no assertion criteria provided. Collection method: clinical testing. Allele origin: germline. Not counted in ClinVar's aggregate classification.
Comment: This variant is classified as likely benign based on ACMG/AMP sequence variant interpretation guidelines (Richards et al. 2015 PMID: 25741868, with internal and published modifications).